The following is an entry in ClinVar:

ClinVar aggregate classification (germline): Likely benign. Review status: criteria provided, multiple submitters, no conflicts (2 of 4 stars). 2 submissions from 2 submitters: Likely benign (2). Last evaluated 2023-04-01.

Allele frequency attached by ClinVar (database versions not stated): gnomAD exomes below 0.00001; TOPMed below 0.00001; ExAC 0.00001.

Submissions (2):

CeGaT Center for Human Genetics Tuebingen
Classification: Likely benign. Last evaluated: 2023-04-01. Review status: criteria provided, single submitter. Criteria: CeGaT Center For Human Genetics Tuebingen Variant Classification Criteria Version 2. Collection method: clinical testing. Allele origin: germline. Affected: yes. Observed: 1 variant allele.
Comment: GRIN2A: BP4, BP7

GeneDx
Classification: Likely benign. Last evaluated: 2016-07-12. Review status: criteria provided, single submitter. Criteria: GeneDx Variant Classification (06012015). Collection method: clinical testing. Allele origin: germline. Affected: yes.
Comment: This variant is considered likely benign or benign based on one or more of the following criteria: it is a conservative change, it occurs at a poorly conserved position in the protein, it is predicted to be benign by multiple in silico algorithms, and/or has population frequency not consistent with disease.

NM_001134407.3(GRIN2A):c.2406C>T (p.Asn802=)

Gene: GRIN2A (glutamate ionotropic receptor NMDA type subunit 2A; minus strand). Cytogenetic location: 16p13.2.
Variant type: single nucleotide variant.
Coding change: c.2406C>T on transcript NM_001134407.3 (MANE Select); coding-DNA position 2406, C replaced by T.
Protein change: p.Asn802=; no amino-acid change (asparagine 802 retained).
Molecular consequence: synonymous variant.
Genome position (GRCh38, 1-based): chr16:9,769,040, G>A on the plus strand (C>T on the coding strand, the complement: GRIN2A is on the minus strand). VCF-style: chr16-9769040-G-A. GRCh37 (hg19) VCF-style: chr16-9862897-G-A.
Other names: c.2406C>T, p.Asn802= (NM_000833.5, NM_001134408.2).
Identifiers: ClinVar variation 387530 (VCV000387530.28), dbSNP rs748977420, ClinGen allele CA7896515.
Genomic context (GRCh38, chr16:9,769,040, plus strand): 5'-GTAGAATACGCCCGCCATGTTGTCAATGTCCAGCTGGCTGCTCATCACCTCGTTCTTCTC[G>A]TTGTGGCAGATCCCAGTGAGCCACAGGGTCTCCAGCTCCTCCATCTCACCTGGACAGATC-3'
Protein context (NP_001127879.1, residues 792-812): ETLWLTGICH[Asn802=]EKNEVMSSQL